The following is an entry in ClinVar:

ClinVar aggregate classification (germline): Uncertain significance. Review status: criteria provided, multiple submitters, no conflicts (2 of 4 stars). 2 submissions from 2 submitters: Uncertain significance (2). Last evaluated 2022-09-07.

Conditions:
Inborn genetic diseases. Identifiers: MedGen C0950123, MeSH D030342.

Allele frequency attached by ClinVar (database versions not stated): gnomAD exomes below 0.00001; gnomAD 0.00004 and 0.00005; TOPMed 0.00005; 1000 Genomes Project 30x 0.00031; 1000 Genomes Project 0.00040.

Submissions (2):

Ambry Genetics
Classification: Uncertain significance for Inborn genetic diseases. Last evaluated: 2022-09-07. Review status: criteria provided, single submitter. Criteria: Ambry Variant Classification Scheme 2023. Collection method: clinical testing. Allele origin: germline.

Labcorp Genetics (formerly Invitae), Labcorp
Classification: Uncertain significance. Last evaluated: 2021-08-27. Review status: criteria provided, single submitter. Criteria: Invitae Variant Classification Sherloc (09022015). Collection method: clinical testing. Allele origin: germline.
Comment: This sequence change replaces alanine with threonine at codon 887 of the CRB2 protein (p.Ala887Thr). The alanine residue is weakly conserved and there is a small physicochemical difference between alanine and threonine. The frequency data for this variant in the population databases is considered unreliable, as metrics indicate poor data quality at this position in the ExAC database. This variant has not been reported in the literature in individuals affected with CRB2-related conditions. Advanced modeling of protein sequence and biophysical properties (such as structural, functional, and spatial information, amino acid conservation, physicochemical variation, residue mobility, and thermodynamic stability) performed at Invitae indicates that this missense variant is not expected to disrupt CRB2 protein function. In summary, the available evidence is currently insufficient to determine the role of this variant in disease. Therefore, it has been classified as a Variant of Uncertain Significance.

NM_173689.7(CRB2):c.2659G>A (p.Ala887Thr)

Gene: CRB2 (crumbs cell polarity complex component 2; plus strand). Cytogenetic location: 9q33.3.
Variant type: single nucleotide variant.
Coding change: c.2659G>A on transcript NM_173689.7 (MANE Select); coding-DNA position 2659, G replaced by A.
Protein change: p.Ala887Thr; replaces alanine 887 with threonine.
Molecular consequence: missense variant. On other transcripts: non-coding transcript variant (1).
Genome position (GRCh38, 1-based): chr9:123,373,190, G>A. VCF-style: chr9-123373190-G-A. GRCh37 (hg19) VCF-style: chr9-126135469-G-A.
Other names: c.2659G>A (NM_173689.5); short protein forms A887T.
Identifiers: ClinVar variation 1349255 (VCV001349255.6), dbSNP rs554664071, ClinGen allele CA5232279.
Genomic context (GRCh38, chr9:123,373,190, plus strand): 5'-GCAGGTGTGGCGGAGGCCACGTTCCGCGAGGGTCCCCCCGCCGCGTTCAGCGGGCACAAC[G>A]CGTCGTCAGGGCGCTTGCTCGGCGGCCTGTCGCTGGCCTTTCGCACGCGCGACTCCGAGG-3'
Protein context (NP_775960.4, residues 877-897): GPPAAFSGHN[Ala887Thr]SSGRLLGGLS